The following is an entry in ClinVar:

NM_000179.3(MSH6):c.1043C>T (p.Ser348Phe)

Gene: MSH6 (mutS homolog 6; plus strand). Cytogenetic location: 2p16.3.
Variant type: single nucleotide variant.
Coding change: c.1043C>T on transcript NM_000179.3 (MANE Select); coding-DNA position 1043, C replaced by T.
Protein change: p.Ser348Phe; replaces serine 348 with phenylalanine.
Molecular consequence: missense variant.
Genome position (GRCh38, 1-based): chr2:47,799,026, C>T. VCF-style: chr2-47799026-C-T. GRCh37 (hg19) VCF-style: chr2-48026165-C-T.
Other names: c.653C>T, p.Ser218Phe (NM_001281492.2); c.137C>T, p.Ser46Phe (NM_001281493.2, NM_001281494.2); short protein forms S348F, S218F, S46F.
Identifiers: ClinVar variation 489955 (VCV000489955.14), dbSNP rs758432113, ClinGen allele CA067068.
Genomic context (GRCh38, chr2:47,799,026, plus strand): 5'-GCATTTCATCAGAAACCAAGAATACTTTGAGAGCTTTCTCTGCCCCTCAAAATTCTGAAT[C>T]CCAAGCCCACGTTAGTGGAGGTGGTGATGACAGTAGTCGCCCTACTGTTTGGTATCATGA-3'
Protein context (NP_000170.1, residues 338-358): RAFSAPQNSE[Ser348Phe]QAHVSGGGDD

ClinVar aggregate classification (germline): Conflicting classifications of pathogenicity. Review status: criteria provided, conflicting classifications (1 of 4 stars). 4 submissions from 4 submitters: Uncertain significance (3); Benign (1). Last evaluated 2025-08-06.

Conditions:
Mismatch repair cancer syndrome 3. Identifiers: MedGen C5436807, MONDO:0030841, OMIM 619097.
Lynch syndrome 5 (LYNCH5). Also called: Hereditary non-polyposis colorectal cancer, type 5; Colorectal cancer, hereditary nonpolyposis, type 5. Identifiers: Orphanet 144, MedGen C1833477, MONDO:0013710, OMIM 614350. Disease mechanism: loss of function.
Endometrial carcinoma. Also called: Endometrial carcinoma, somatic. Identifiers: MedGen C0476089, MONDO:0002447, OMIM 608089, HP:0012114.
Hereditary nonpolyposis colorectal neoplasms. Identifiers: MedGen C0009405, MeSH D003123.
Hereditary cancer-predisposing syndrome. Also called: Hereditary Cancer Syndrome; Neoplastic Syndromes, Hereditary; Tumor predisposition; Hereditary neoplastic syndrome. Identifiers: Orphanet 140162, MedGen C0027672, MeSH D009386, MONDO:0015356.

Allele frequency attached by ClinVar (database versions not stated): gnomAD exomes 0.00001 and 0.00003; ExAC 0.00002.

Submissions (4):

Labcorp Genetics (formerly Invitae), Labcorp
Classification: Benign for Hereditary nonpolyposis colorectal neoplasms. Last evaluated: 2025-08-06. Review status: criteria provided, single submitter. Criteria: Invitae Variant Classification Sherloc (09022015). Collection method: clinical testing. Allele origin: germline.

Department of Pathology and Laboratory Medicine, Sinai Health System
Classification: Uncertain significance for Endometrial carcinoma; Lynch syndrome 5; Mismatch repair cancer syndrome 3. Last evaluated: 2024-12-13. Review status: criteria provided, single submitter. Criteria: ACMG Guidelines, 2015. Collection method: clinical testing. Allele origin: germline.

Ambry Genetics
Classification: Uncertain significance for Hereditary cancer-predisposing syndrome. Last evaluated: 2024-01-11. Review status: criteria provided, single submitter. Criteria: Ambry Variant Classification Scheme 2023. Collection method: clinical testing. Allele origin: germline.
Comment: The p.S348F variant (also known as c.1043C>T), located in coding exon 4 of the MSH6 gene, results from a C to T substitution at nucleotide position 1043. The serine at codon 348 is replaced by phenylalanine, an amino acid with highly dissimilar properties. This amino acid position is well conserved in available vertebrate species. In addition, the in silico prediction for this alteration is inconclusive. Since supporting evidence is limited at this time, the clinical significance of this alteration remains unclear.

Color Diagnostics, LLC DBA Color Health
Classification: Uncertain significance for Hereditary cancer-predisposing syndrome. Last evaluated: 2018-09-06. Review status: criteria provided, single submitter. Criteria: ACMG Guidelines, 2015. Collection method: clinical testing. Allele origin: germline.